The following is an entry in ClinVar:

NC_000005.9:g.(?_136957787)_(138861289_?)del

Genes: BRD8 (bromodomain containing 8; minus strand), CDC23 (cell division cycle 23; minus strand), CDC25C (cell division cycle 25C; minus strand), CTNNA1 (catenin alpha 1; plus strand), DNAJC18 (DnaJ heat shock protein family (Hsp40) member C18; minus strand) and 26 more. Cytogenetic location: 5q31.2.
Variant type: Deletion.
Identifiers: ClinVar variation 2427648 (VCV002427648.5).

ClinVar aggregate classification (germline): no classifications from unflagged records (0 of 4 stars; one submission).

Conditions:
STING-associated vasculopathy with onset in infancy. Also called: Sting-associated vasculopathy, infantile-onset. Identifiers: Orphanet 425120, MedGen C4014722, MONDO:0014405, OMIM 615934.

Submission:

Labcorp Genetics (formerly Invitae), Labcorp
Classification: Uncertain significance for STING-associated vasculopathy with onset in infancy. Last evaluated: 2021-12-03. Review status: flagged submission. Criteria: Invitae Variant Classification Sherloc (09022015). Collection method: clinical testing. Allele origin: germline.
Comment: A gross deletion of the genomic region encompassing the full coding sequence of the TMEM173 gene has been identified. The current clinical and genetic evidence is not sufficient to establish whether loss-of-function variants in TMEM173 cause disease. The boundaries of this event are unknown as they extend beyond the assayed region for this gene and therefore may encompass additional genes. This variant has not been reported in the literature in individuals affected with TMEM173-related conditions. In summary, the available evidence is currently insufficient to determine the role of this variant in disease. Therefore, it has been classified as a Variant of Uncertain Significance.
ClinVar note: Notes: This submission was flagged because its interpretation of this variant conflicts with the ClinGen Gene Dosage Map curation for the gene CTNNA1.
ClinVar note: Reason: Conflict with ClinGen Gene Dosage Map